The following is an entry in ClinVar:

ClinVar aggregate classification (germline): Uncertain significance (1 of 4 stars; one submission).

Submission:

GeneDx
Classification: Uncertain significance. Last evaluated: 2020-06-24. Review status: criteria provided, single submitter. Criteria: GeneDx Variant Classification Process June 2021. Collection method: clinical testing. Allele origin: germline. Affected: yes.
Comment: Not observed in large population cohorts (Lek et al., 2016); In silico analysis supports that this missense variant does not alter protein structure/function; Has not been previously published as pathogenic or benign to our knowledge

NM_004733.4(SLC33A1):c.400G>T (p.Val134Phe)

Gene: SLC33A1 (solute carrier family 33 member 1; minus strand). Cytogenetic location: 3q25.31.
Variant type: single nucleotide variant.
Coding change: c.400G>T on transcript NM_004733.4 (MANE Select); coding-DNA position 400, G replaced by T.
Protein change: p.Val134Phe; replaces valine 134 with phenylalanine.
Molecular consequence: missense variant.
Genome position (GRCh38, 1-based): chr3:155,853,598, C>A on the plus strand (G>T on the coding strand, the complement: SLC33A1 is on the minus strand). VCF-style: chr3-155853598-C-A. GRCh37 (hg19) VCF-style: chr3-155571387-C-A.
Other names: c.400G>T, p.Val134Phe (NM_001190992.2, NM_001363883.1); short protein forms V134F.
Identifiers: ClinVar variation 1312778 (VCV001312778.2), dbSNP rs148175458, ClinGen allele CA355143700.